The following is an entry in ClinVar:

ClinVar aggregate classification (germline): Uncertain significance. Review status: criteria provided, multiple submitters, no conflicts (2 of 4 stars). 2 submissions from 2 submitters: Uncertain significance (2). Last evaluated 2025-08-21.

Allele frequency attached by ClinVar (database versions not stated): gnomAD exomes below 0.00001; gnomAD 0.00001.
gnomAD v4.1: 15 of 1,577,390 alleles (0.00095%); highest among the groups gnomAD compares: East Asian, 0.0023%; no homozygotes.

Submissions (2):

Labcorp Genetics (formerly Invitae), Labcorp
Classification: Uncertain significance. Last evaluated: 2025-08-21. Review status: criteria provided, single submitter. Criteria: Invitae Variant Classification Sherloc (09022015). Collection method: clinical testing. Allele origin: germline.
Comment: This sequence change replaces threonine, which is neutral and polar, with methionine, which is neutral and non-polar, at codon 827 of the ARHGEF18 protein (p.Thr827Met). This variant is present in population databases (no rsID available, gnomAD no frequency). This variant has not been reported in the literature in individuals affected with ARHGEF18-related conditions. ClinVar contains an entry for this variant (Variation ID: 999728). An algorithm developed to predict the effect of missense changes on protein structure and function outputs the following: PolyPhen-2: "Benign". The methionine amino acid residue is found in multiple mammalian species, which suggests that this missense change does not adversely affect protein function. In summary, the available evidence is currently insufficient to determine the role of this variant in disease. Therefore, it has been classified as a Variant of Uncertain Significance.

Blueprint Genetics
Classification: Uncertain significance. Last evaluated: 2023-10-06. Review status: criteria provided, single submitter. Criteria: ACMG Guidelines, 2015. Collection method: clinical testing. Allele origin: germline.

NM_001367823.1(ARHGEF18):c.3044C>T (p.Thr1015Met)

Gene: ARHGEF18 (Rho/Rac guanine nucleotide exchange factor 18; plus strand). Cytogenetic location: 19p13.2.
Variant type: single nucleotide variant.
Coding change: c.3044C>T on transcript NM_001367823.1 (MANE Select); coding-DNA position 3044, C replaced by T.
Protein change: p.Thr1015Met; replaces threonine 1015 with methionine.
Molecular consequence: missense variant.
Genome position (GRCh38, 1-based): chr19:7,467,248, C>T. VCF-style: chr19-7467248-C-T. GRCh37 (hg19) VCF-style: chr19-7532134-C-T.
Other names: c.2318C>T, p.Thr773Met (NM_001130955.2); c.2006C>T, p.Thr669Met (NM_001367824.1, NM_015318.4); short protein forms T1015M, T669M, T773M.
Identifiers: ClinVar variation 999728 (VCV000999728.9), dbSNP rs965698468, ClinGen allele CA304856357.